The following is an entry in ClinVar:

NM_005359.6(SMAD4):c.567T>A (p.Arg189=)

Gene: SMAD4 (SMAD family member 4; plus strand). Cytogenetic location: 18q21.2.
Variant type: single nucleotide variant.
Coding change: c.567T>A on transcript NM_005359.6 (MANE Select); coding-DNA position 567, T replaced by A.
Protein change: p.Arg189=; no amino-acid change (arginine 189 retained).
Molecular consequence: synonymous variant. On other transcripts: non-coding transcript variant (2).
Genome position (GRCh38, 1-based): chr18:51,054,893, T>A. VCF-style: chr18-51054893-T-A. GRCh37 (hg19) VCF-style: chr18-48581263-T-A.
Other names: c.567T>A, p.Arg189= (NM_001407041.1, NM_001407042.1, NM_001407043.1).
Identifiers: ClinVar variation 3238419 (VCV003238419.2), dbSNP rs2144418807.

ClinVar aggregate classification (germline): Benign/Likely benign. Review status: criteria provided, multiple submitters, no conflicts (2 of 4 stars). 2 submissions from 2 submitters: Benign (1); Likely benign (1). Last evaluated 2025-03-19.

Conditions:
Juvenile polyposis/hereditary hemorrhagic telangiectasia syndrome (JPHT). Also called: JP/HHT SYNDROME; JUVENILE POLYPOSIS WITH HEREDITARY HEMORRHAGIC TELANGIECTASIA; POLYPOSIS, GENERALIZED JUVENILE, WITH PULMONARY ARTERIOVENOUS MALFORMATION; TELANGIECTASIA, HEREDITARY HEMORRHAGIC, WITH JUVENILE POLYPOSIS COLI; Juvenile Polyposis Syndrome / Hereditary Hemorrhagic Telangiectasia (JPS/HHT). Identifiers: Orphanet 2929, MedGen C1832942, MONDO:0008278, OMIM 175050.
Familial thoracic aortic aneurysm and aortic dissection (TAAD). Also called: Thoracic aortic aneurysms and dissections. Identifiers: Orphanet 91387, MedGen C4707243, MONDO:0019625.
Hereditary cancer-predisposing syndrome. Also called: Neoplastic Syndromes, Hereditary; Tumor predisposition; Hereditary neoplastic syndrome; Hereditary Cancer Syndrome. Identifiers: Orphanet 140162, MedGen C0027672, MeSH D009386, MONDO:0015356.

Submissions (2):

Myriad Genetics, Inc.
Classification: Benign for Juvenile polyposis/hereditary hemorrhagic telangiectasia syndrome. Last evaluated: 2025-03-19. Review status: criteria provided, single submitter. Criteria: Myriad Autosomal Dominant, Autosomal Recessive and X-Linked Classification Criteria (2023). Collection method: clinical testing. Allele origin: unknown.
Comment: This variant is considered benign. This variant is a silent/synonymous amino acid change and it is not expected to impact splicing.

Ambry Genetics
Classification: Likely benign for Hereditary cancer-predisposing syndrome; Familial thoracic aortic aneurysm and aortic dissection. Last evaluated: 2024-02-22. Review status: criteria provided, single submitter. Criteria: Ambry Variant Classification Scheme 2023. Collection method: clinical testing. Allele origin: germline.